The following is an entry in ClinVar:

NM_002769.5(PRSS1):c.134A>C (p.Tyr45Ser)

Genes: TRB (T cell receptor beta locus; plus strand), PRSS1 (serine protease 1; plus strand). Cytogenetic location: 7q34.
Variant type: single nucleotide variant.
Coding change: c.134A>C on transcript NM_002769.5 (MANE Select); coding-DNA position 134, A replaced by C.
Protein change: p.Tyr45Ser; replaces tyrosine 45 with serine.
Molecular consequence: missense variant. On other transcripts: non-coding transcript variant (4).
Genome position (GRCh38, 1-based): chr7:142,750,648, A>C. VCF-style: chr7-142750648-A-C. GRCh37 (hg19) VCF-style: chr7-142458499-A-C.
Other names: short protein forms Y45S.
Identifiers: ClinVar variation 1770556 (VCV001770556.2), dbSNP rs1331796325, ClinGen allele CA369607339.
Genomic context (GRCh38, chr7:142,750,648, plus strand): 5'-TTGGGGGCTACAACTGTGAGGAGAATTCTGTCCCCTACCAGGTGTCCCTGAATTCTGGCT[A>C]CCACTTCTGTGGTGGCTCCCTCATCAACGAACAGTGGGTGGTATCAGCAGGCCACTGCTA-3'
Protein context (NP_002760.1, residues 35-55): VPYQVSLNSG[Tyr45Ser]HFCGGSLINE

ClinVar aggregate classification (germline): Uncertain significance (1 of 4 stars; one submission).

Conditions:
Hereditary pancreatitis (PCTT). Also called: PRSS1-Related Hereditary Pancreatitis; Hereditary chronic pancreatitis. Identifiers: Orphanet 676, MedGen C0238339, MONDO:0008185, OMIM 167800.

Allele frequency attached by ClinVar (database versions not stated): 1000 Genomes Project 30x 0.03498.

Submission:

Ambry Genetics
Classification: Uncertain significance for Hereditary pancreatitis. Last evaluated: 2022-08-19. Review status: criteria provided, single submitter. Criteria: Ambry Variant Classification Scheme 2023. Collection method: clinical testing. Allele origin: germline.
Comment: The p.Y45S variant (also known as c.134A>C), located in coding exon 2 of the PRSS1 gene, results from an A to C substitution at nucleotide position 134. The tyrosine at codon 45 is replaced by serine, an amino acid with dissimilar properties. This amino acid position is conserved. In addition, the in silico prediction for this alteration is inconclusive. Since supporting evidence is limited at this time, the clinical significance of this alteration remains unclear.